The following is an entry in ClinVar:

NM_000255.4(MMUT):c.917C>T (p.Ser306Phe)

Gene: MMUT (methylmalonyl-CoA mutase; minus strand). Cytogenetic location: 6p12.3.
Variant type: single nucleotide variant.
Coding change: c.917C>T on transcript NM_000255.4 (MANE Select); coding-DNA position 917, C replaced by T.
Protein change: p.Ser306Phe; replaces serine 306 with phenylalanine.
Molecular consequence: missense variant.
Genome position (GRCh38, 1-based): chr6:49,453,751, G>A on the plus strand (C>T on the coding strand, the complement: MMUT is on the minus strand). VCF-style: chr6-49453751-G-A. GRCh37 (hg19) VCF-style: chr6-49421464-G-A.
Other names: short protein forms S306F.
Identifiers: ClinVar variation 553978 (VCV000553978.16), dbSNP rs1085307929, ClinGen allele CA364401069.

ClinVar aggregate classification (germline): Conflicting classifications of pathogenicity. Review status: criteria provided, conflicting classifications (1 of 4 stars). 4 submissions from 4 submitters: Pathogenic (1); Likely pathogenic (1); Uncertain significance (1). 1 of the submissions does not count toward it. Last evaluated 2025-10-30.

Conditions:
Methylmalonic aciduria due to methylmalonyl-CoA mutase deficiency (MAMM). Also called: Methylmalonic aciduria, mut type. Identifiers: Orphanet 27, MedGen C1855114, MONDO:0009612, OMIM 251000.

Submissions (4):

Myriad Genetics, Inc.
Classification: Likely pathogenic for Methylmalonic aciduria due to methylmalonyl-CoA mutase deficiency. Last evaluated: 2025-10-30. Review status: criteria provided, single submitter. Criteria: Myriad Autosomal Dominant, Autosomal Recessive and X-Linked Classification Criteria (2023). Collection method: clinical testing. Allele origin: unknown.
Comment: NM_000255.3(MMUT):c.917C>T(S306F) is a missense variant classified as likely pathogenic in the context of methylmalonic acidemia, MMUT-related. S306F has been observed in cases with relevant disease (PMID: 16281286, 37316190, 39523381). Relevant functional assessments of this variant are not available in the literature. Internal structural analysis of the variant is supportive of pathogenicity. S306F has not been observed in referenced population frequency databases. In summary, NM_000255.3(MMUT):c.917C>T(S306F) is a missense variant that has internal structural support for pathogenicity and has been observed more frequently in cases with the relevant disease than in healthy populations. Please note: this variant was assessed in the context of healthy population screening.

Women's Health and Genetics/Laboratory Corporation of America, LabCorp
Classification: Uncertain significance. Last evaluated: 2025-07-11. Review status: criteria provided, single submitter. Criteria: LabCorp Variant Classification Summary - May 2015. Collection method: clinical testing. Allele origin: germline.
Comment: Variant summary: MMUT c.917C>T (p.Ser306Phe) results in a non-conservative amino acid change located in the methylmalonyl-CoA mutase, alpha chain, catalytic domain (IPR006098) of the encoded protein sequence. Algorithms developed to predict the effect of missense changes on protein structure and function all suggest that this variant is likely to be disruptive. The variant was absent in 250844 control chromosomes. c.917C>T has been reported in the literature in at least one homozygous individual affected with f Methylmalonic Acidemia and at least one individual from a cohort with diagnosed inborn errors of metabolism (e.g., Worgan_2006, Adhikari_2020, Liang_2023, Yin_2024, internal data). These data indicate that the variant may be associated with disease. To our knowledge, no experimental evidence demonstrating an impact on protein function has been reported. The following publications have been ascertained in the context of this evaluation (PMID: 32778825, 37316190, 16281286, 39523381). ClinVar contains an entry for this variant (Variation ID: 553978). Based on the evidence outlined above, the variant was classified as VUS-possibly pathogenic.

Labcorp Genetics (formerly Invitae), Labcorp
Classification: Pathogenic. Last evaluated: 2023-08-04. Review status: criteria provided, single submitter. Criteria: Invitae Variant Classification Sherloc (09022015). Collection method: clinical testing. Allele origin: germline.
Comment: This variant is not present in population databases (gnomAD no frequency). This missense change has been observed in individual(s) with methylmalonic acidemia (PMID: 16281286; Invitae). In at least one individual the data is consistent with being in trans (on the opposite chromosome) from a pathogenic variant. This sequence change replaces serine, which is neutral and polar, with phenylalanine, which is neutral and non-polar, at codon 306 of the MUT protein (p.Ser306Phe). ClinVar contains an entry for this variant (Variation ID: 553978). For these reasons, this variant has been classified as Pathogenic. Advanced modeling of protein sequence and biophysical properties (such as structural, functional, and spatial information, amino acid conservation, physicochemical variation, residue mobility, and thermodynamic stability) performed at Invitae indicates that this missense variant is expected to disrupt MUT protein function.

Counsyl
Classification: Uncertain significance for Methylmalonic aciduria due to methylmalonyl-CoA mutase deficiency. Last evaluated: 2017-10-06. Review status: no assertion criteria provided. Collection method: clinical testing. Allele origin: unknown. Not counted in ClinVar's aggregate classification.

Literature cited by the submitters: PubMed 16281286 (cited by 4 submitters); PubMed 37316190 (cited by Myriad Genetics, Inc. and Women's Health and Genetics/Laboratory Corporation of America, LabCorp); PubMed 39523381 (cited by Myriad Genetics, Inc. and Women's Health and Genetics/Laboratory Corporation of America, LabCorp); PubMed 32778825 (cited by Women's Health and Genetics/Laboratory Corporation of America, LabCorp).